The following is an entry in ClinVar:

ClinVar aggregate classification (germline): Uncertain significance. Review status: criteria provided, multiple submitters, no conflicts (2 of 4 stars). 2 submissions from 2 submitters: Uncertain significance (2). Last evaluated 2024-07-06.

Conditions:
Inborn genetic diseases. Identifiers: MedGen C0950123, MeSH D030342.

gnomAD v4.1: 17 of 1,611,916 alleles (0.0011%); highest among the groups gnomAD compares: Admixed American, 0.025%; no homozygotes.

Submissions (2):

GeneDx
Classification: Uncertain significance. Last evaluated: 2024-07-06. Review status: criteria provided, single submitter. Criteria: GeneDx Variant Classification Process June 2021. Collection method: clinical testing. Allele origin: germline. Affected: yes.
Comment: In silico analysis supports that this missense variant has a deleterious effect on protein structure/function; Has not been previously published as pathogenic or benign to our knowledge

Ambry Genetics
Classification: Uncertain significance for Inborn genetic diseases. Last evaluated: 2022-01-04. Review status: criteria provided, single submitter. Criteria: Ambry Variant Classification Scheme 2023. Collection method: clinical testing. Allele origin: germline.

NM_004667.6(HERC2):c.8002G>T (p.Val2668Phe)

Gene: HERC2 (HECT and RLD domain containing E3 ubiquitin protein ligase 2; minus strand). Cytogenetic location: 15q13.1.
Variant type: single nucleotide variant.
Coding change: c.8002G>T on transcript NM_004667.6 (MANE Select); coding-DNA position 8002, G replaced by T.
Protein change: p.Val2668Phe; replaces valine 2668 with phenylalanine.
Molecular consequence: missense variant.
Genome position (GRCh38, 1-based): chr15:28,198,387, C>A on the plus strand (G>T on the coding strand, the complement: HERC2 is on the minus strand). VCF-style: chr15-28198387-C-A. GRCh37 (hg19) VCF-style: chr15-28443533-C-A.
Other names: c.8002G>T (NM_004667.5); short protein forms V2668F.
Identifiers: ClinVar variation 2362899 (VCV002362899.3), dbSNP rs371325151, ClinGen allele CA7441607.